The following is an entry in ClinVar:

NM_178857.6(RP1L1):c.4935C>G (p.Ser1645Arg)

Gene: RP1L1 (RP1 like 1). Cytogenetic location: 8p23.1.
Variant type: single nucleotide variant.
Coding change: c.4935C>G on transcript NM_178857.6 (MANE Select); coding-DNA position 4935, C replaced by G.
Protein change: p.Ser1645Arg; replaces serine 1645 with arginine.
Molecular consequence: missense variant.
Genome position (GRCh38, 1-based): chr8:10,609,163, G>C on the plus strand (C>G on the coding strand, the complement: RP1L1 is on the minus strand). VCF-style: chr8-10609163-G-C. GRCh37 (hg19) VCF-style: chr8-10466673-G-C.
Other names: short protein forms S1645R.
Identifiers: ClinVar variation 4881392 (VCV004881392.2).

ClinVar aggregate classification (germline): Uncertain significance (1 of 4 stars; one submission).

gnomAD v4.1: 3 of 1,612,626 alleles (0.00019%); highest among the groups gnomAD compares: Non-Finnish European, 0.00025%; no homozygotes.

Submission:

Dasa
Classification: Uncertain significance. Last evaluated: 2025-02-25. Review status: criteria provided, single submitter. Criteria: DASA Assertion Criteria. Collection method: clinical testing. Allele origin: germline.
Comment: NM_178857.6(RP1L1):c.4935C>G (p.Ser1645Arg) is a missense variant that results in the substitution of serine with arginine. This variant is rare in population databases. Computational prediction algorithms are consistent with a benign effect. The currently available literature and clinical evidence are not sufficient to establish a definitive association between this variant and the reported condition. Therefore, this variant is classified as a variant of uncertain significance.